The following is an entry in ClinVar:

NM_012472.6(DNAAF11):c.316A>G (p.Ile106Val)

Gene: DNAAF11 (dynein axonemal assembly factor 11; minus strand). Cytogenetic location: 8q24.22.
Variant type: single nucleotide variant.
Coding change: c.316A>G on transcript NM_012472.6 (MANE Select); coding-DNA position 316, A replaced by G.
Protein change: p.Ile106Val; replaces isoleucine 106 with valine.
Molecular consequence: missense variant. On other transcripts: 5 prime UTR variant (4), non-coding transcript variant (10).
Genome position (GRCh38, 1-based): chr8:132,638,048, T>C on the plus strand (A>G on the coding strand, the complement: DNAAF11 is on the minus strand). VCF-style: chr8-132638048-T-C. GRCh37 (hg19) VCF-style: chr8-133650294-T-C.
Other names: c.316A>G, p.Ile106Val (NM_001321961.2); c.70A>G, p.Ile24Val (NM_001321962.2); c.-45A>G (NM_001321963.2, NM_001321964.2, NM_001321965.2 and 1 more transcripts); short protein forms I106V, I24V.
Identifiers: ClinVar variation 3502864 (VCV003502864.2).

ClinVar aggregate classification (germline): Conflicting classifications of pathogenicity. Review status: criteria provided, conflicting classifications (1 of 4 stars). 2 submissions from 2 submitters: Uncertain significance (1); Likely benign (1). Last evaluated 2025-09-10.

Conditions:
Primary ciliary dyskinesia 19. Also called: CILIARY DYSKINESIA, PRIMARY, 19, WITH OR WITHOUT SITUS INVERSUS. Identifiers: Orphanet 244, MedGen C3543826, MONDO:0013979, OMIM 614935.
Primary ciliary dyskinesia. Also called: Ciliary dyskinesia. Identifiers: Orphanet 244, MedGen C0008780, MONDO:0016575, HP:0012265.

Submissions (2):

Labcorp Genetics (formerly Invitae), Labcorp
Classification: Uncertain significance for Primary ciliary dyskinesia 19. Last evaluated: 2025-09-10. Review status: criteria provided, single submitter. Criteria: Invitae Variant Classification Sherloc (09022015). Collection method: clinical testing. Allele origin: germline.
Comment: This sequence change replaces isoleucine, which is neutral and non-polar, with valine, which is neutral and non-polar, at codon 106 of the LRRC6 protein (p.Ile106Val). This variant is present in population databases (no rsID available, gnomAD 0.01%). This variant has not been reported in the literature in individuals affected with LRRC6-related conditions. ClinVar contains an entry for this variant (Variation ID: 3502864). Invitae Evidence Modeling of protein sequence and biophysical properties (such as structural, functional, and spatial information, amino acid conservation, physicochemical variation, residue mobility, and thermodynamic stability) indicates that this missense variant is not expected to disrupt LRRC6 protein function with a negative predictive value of 80%. In summary, the available evidence is currently insufficient to determine the role of this variant in disease. Therefore, it has been classified as a Variant of Uncertain Significance.

Ambry Genetics
Classification: Likely benign for Primary ciliary dyskinesia. Last evaluated: 2024-07-24. Review status: criteria provided, single submitter. Criteria: Ambry Variant Classification Scheme 2023. Collection method: clinical testing. Allele origin: germline.